The following is an entry in ClinVar:

ClinVar aggregate classification (germline): Conflicting classifications of pathogenicity. Review status: criteria provided, conflicting classifications (1 of 4 stars). 3 submissions from 3 submitters: Uncertain significance (1); Likely benign (2). Last evaluated 2026-01-12.

Conditions:
Multicentric osteolysis nodulosis arthropathy spectrum. Identifiers: Orphanet 3460, Orphanet 371428, MedGen C1850155, MONDO:0018298.

Allele frequency attached by ClinVar (database versions not stated): ESP Exome Variant Server 0.00092; 1000 Genomes Project 30x 0.00094; 1000 Genomes Project 0.00100; gnomAD 0.00119 and 0.00128; TOPMed 0.00136.
gnomAD v4.1: 730 of 1,613,828 alleles (0.045%); highest among the groups gnomAD compares: African/African-American, 0.35%; 1 homozygote.

Submissions (3):

Labcorp Genetics (formerly Invitae), Labcorp
Classification: Likely benign. Last evaluated: 2026-01-12. Review status: criteria provided, single submitter. Criteria: Invitae Variant Classification Sherloc (09022015). Collection method: clinical testing. Allele origin: germline.

Illumina Laboratory Services, Illumina
Classification: Likely benign for Multicentric osteolysis, nodulosis, and arthropathy. Last evaluated: 2018-01-13. Review status: criteria provided, single submitter. Criteria: ICSL Variant Classification Criteria 13 December 2019. Collection method: clinical testing. Allele origin: germline.
Comment: This variant was observed in the ICSL laboratory as part of a predisposition screen in an ostensibly healthy population. It had not been previously curated by ICSL or reported in the Human Gene Mutation Database (HGMD: prior to June 1st, 2018), and was therefore a candidate for classification through an automated scoring system. Utilizing variant allele frequency, disease prevalence and penetrance estimates, and inheritance mode, an automated score was calculated to assess if this variant is too frequent to cause the disease. Based on the score and internal cut-off values, a variant classified as likely benign is not then subjected to further curation. The score for this variant resulted in a classification of likely benign for this disease.

Eurofins Ntd Llc (ga)
Classification: Uncertain significance. Last evaluated: 2015-01-20. Review status: criteria provided, single submitter. Criteria: EGL Classification Definitions 2015. Collection method: clinical testing. Allele origin: germline. Observed: 1 variant allele, 1 heterozygote.

NM_004530.6(MMP2):c.1858G>A (p.Val620Ile)

Gene: MMP2 (matrix metallopeptidase 2; plus strand). Cytogenetic location: 16q12.2.
Variant type: single nucleotide variant.
Coding change: c.1858G>A on transcript NM_004530.6 (MANE Select); coding-DNA position 1858, G replaced by A.
Protein change: p.Val620Ile; replaces valine 620 with isoleucine.
Molecular consequence: missense variant.
Genome position (GRCh38, 1-based): chr16:55,502,867, G>A. VCF-style: chr16-55502867-G-A. GRCh37 (hg19) VCF-style: chr16-55536779-G-A.
Other names: c.1708G>A, p.Val570Ile (NM_001127891.3); c.1630G>A, p.Val544Ile (NM_001302508.1, NM_001302509.2, NM_001302510.2); short protein forms V620I, V544I, V570I.
Identifiers: ClinVar variation 194059 (VCV000194059.20), dbSNP rs41459945, ClinGen allele CA239856.
Genomic context (GRCh38, chr16:55,502,867, plus strand): 5'-CCTGGCTTCCCCAAGCTCATCGCAGATGCCTGGAATGCCATCCCCGATAACCTGGATGCC[G>A]TCGTGGACCTGCAGGGCGGCGGTGAGCCACCCAGGACTGTCTCCGCTTTCTAGGACTCCC-3'
Protein context (NP_004521.1, residues 610-630): WNAIPDNLDA[Val620Ile]VDLQGGGHSY